The following is an entry in ClinVar:

NM_014727.3(KMT2B):c.1919C>T (p.Ser640Phe)

Gene: KMT2B (lysine methyltransferase 2B; plus strand). Cytogenetic location: 19q13.12.
Variant type: single nucleotide variant.
Coding change: c.1919C>T on transcript NM_014727.3 (MANE Select); coding-DNA position 1919, C replaced by T.
Protein change: p.Ser640Phe; replaces serine 640 with phenylalanine.
Molecular consequence: missense variant.
Genome position (GRCh38, 1-based): chr19:35,721,266, C>T. VCF-style: chr19-35721266-C-T. GRCh37 (hg19) VCF-style: chr19-36212168-C-T.
Other names: short protein forms S640F.
Identifiers: ClinVar variation 2662288 (VCV002662288.1), dbSNP rs2513317432, ClinGen allele CA405394737.
Genomic context (GRCh38, chr19:35,721,266, plus strand): 5'-CTCCTCCCCCAGCCCCTCCACCTCCCCCGGCCCCCTCCCCACCCCCTGCTCCTGCCACCT[C>T]CTCCCGGAGGCCCCTACTCCTTCGGGCCCCTCAGTTTACCCCAAGCGAAGCCCACCTGAA-3'
Protein context (NP_055542.1, residues 630-650): APSPPPAPAT[Ser640Phe]SRRPLLLRAP

ClinVar aggregate classification (germline): Uncertain significance (1 of 4 stars; one submission).

gnomAD v4.1: 1 of 1,537,260 alleles (0.000065%); highest among the groups gnomAD compares: South Asian, 0.0012%; no homozygotes.

Submission:

GeneDx
Classification: Uncertain significance. Last evaluated: 2023-05-15. Review status: criteria provided, single submitter. Criteria: GeneDx Variant Classification Process June 2021. Collection method: clinical testing. Allele origin: germline. Affected: yes.
Comment: Not observed at significant frequency in large population cohorts (gnomAD); In silico analysis supports that this missense variant does not alter protein structure/function; Has not been previously published as pathogenic or benign to our knowledge